The following is an entry in ClinVar:

ClinVar aggregate classification (germline): Conflicting classifications of pathogenicity. Review status: criteria provided, conflicting classifications (1 of 4 stars). 5 submissions from 5 submitters: Uncertain significance (3); Benign (1); Likely benign (1). Last evaluated 2026-08-18.

Conditions:
PCNT-related disorder. Also called: PCNT-related condition.
Microcephalic osteodysplastic primordial dwarfism type II (MOPD2). Also called: Microcephalic osteodysplastic primordial dwarfism with tooth abnormalities; MOPD II; OSTEODYSPLASTIC PRIMORDIAL DWARFISM, TYPE II. Identifiers: Orphanet 2637, MedGen C0432246, MONDO:0008872, OMIM 210720.

Allele frequency attached by ClinVar (database versions not stated): gnomAD 0.00032; ExAC 0.00085.

Submissions (5):

PreventionGenetics, part of Exact Sciences
Classification: Uncertain significance for PCNT-related condition. Last evaluated: 2026-08-18. Review status: criteria provided, single submitter. Criteria: ACMG Guidelines, 2015. Collection method: clinical testing. Allele origin: germline.
Comment: The PCNT c.506G>A variant is predicted to result in the amino acid substitution p.Arg169His. This variant has been reported in the homozygous state in an individual with microcephaly, intellectual disability, and epilepsy; however no additional studies were done to assess its pathogenicity (Hesse et al. 2018. PubMed ID: 29778030). This variant is reported in 0.022% of alleles in individuals of African descent in gnomAD. At this time, the clinical significance of this variant is uncertain due to the absence of conclusive functional and genetic evidence.

Women's Health and Genetics/Laboratory Corporation of America, LabCorp
Classification: Uncertain significance. Last evaluated: 2025-09-05. Review status: criteria provided, single submitter. Criteria: LabCorp Variant Classification Summary - May 2015. Collection method: clinical testing. Allele origin: germline.
Comment: Variant summary: PCNT c.506G>A (p.Arg169His) results in a non-conservative amino acid change in the encoded protein sequence. Algorithms developed to predict the effect of missense changes on protein structure and function are either unavailable or do not agree on the potential impact of this missense change. The frequency data for this variant in gnomAD is considered unreliable, as metrics indicate poor data quality at this position. c.506G>A has been observed as a homozygous genotype in an individual(s) affected with microcephaly, mild intellectual disabilities and intractable complex focal seizures (Hesse_2018). These report(s) do not provide unequivocal conclusions about association of the variant with Microcephalic Osteodysplastic Primordial Dwarfism Type II. To our knowledge, no experimental evidence demonstrating an impact on protein function has been reported. The following publication has been ascertained in the context of this evaluation (PMID: 29778030). ClinVar contains an entry for this variant (Variation ID: 159616). Based on the evidence outlined above, the variant was classified as uncertain significance.

GeneDx
Classification: Likely benign. Last evaluated: 2020-07-23. Review status: criteria provided, single submitter. Criteria: GeneDx Variant Classification Process June 2021. Collection method: clinical testing. Allele origin: germline. Affected: yes.
Comment: This variant is associated with the following publications: (PMID: 29778030)

Illumina Laboratory Services, Illumina
Classification: Uncertain significance for Microcephalic osteodysplastic primordial dwarfism type II. Last evaluated: 2018-01-12. Review status: criteria provided, single submitter. Criteria: ICSL Variant Classification Criteria 13 December 2019. Collection method: clinical testing. Allele origin: germline.

Genetic Services Laboratory, University of Chicago
Classification: Benign. Last evaluated: 2013-02-08. Review status: criteria provided, single submitter. Criteria: ACMG Guidelines, 2007. Collection method: clinical testing. Allele origin: germline. Inheritance: Autosomal recessive inheritance.

Literature cited by the submitters: PubMed 29778030 (cited by Women's Health and Genetics/Laboratory Corporation of America, LabCorp).

NM_006031.6(PCNT):c.506G>A (p.Arg169His)

Gene: PCNT (pericentrin; plus strand). Cytogenetic location: 21q22.3.
Variant type: single nucleotide variant.
Coding change: c.506G>A on transcript NM_006031.6 (MANE Select); coding-DNA position 506, G replaced by A.
Protein change: p.Arg169His; replaces arginine 169 with histidine.
Molecular consequence: missense variant.
Genome position (GRCh38, 1-based): chr21:46,334,635, G>A. VCF-style: chr21-46334635-G-A. GRCh37 (hg19) VCF-style: chr21-47754549-G-A.
Other names: c.152G>A, p.Arg51His (NM_001315529.2); short protein forms R169H, R51H.
Identifiers: ClinVar variation 159616 (VCV000159616.15), dbSNP rs61735823, ClinGen allele CA173023.